The following is an entry in ClinVar:

NM_004100.5(EYA4):c.1308T>C (p.Asp436=)

Genes: TARID (TCF21 antisense RNA inducing promoter demethylation; minus strand), EYA4 (EYA transcriptional coactivator and phosphatase 4; plus strand). Cytogenetic location: 6q23.2.
Variant type: single nucleotide variant.
Coding change: c.1308T>C on transcript NM_004100.5 (MANE Select); coding-DNA position 1308, T replaced by C.
Protein change: p.Asp436=; no amino-acid change (aspartic acid 436 retained).
Molecular consequence: synonymous variant.
Genome position (GRCh38, 1-based): chr6:133,512,747, T>C. VCF-style: chr6-133512747-T-C. GRCh37 (hg19) VCF-style: chr6-133833885-T-C.
Other names: c.1146T>C, p.Asp382= (NM_001301012.2); c.1326T>C, p.Asp442= (NM_001301013.2); c.1239T>C, p.Asp413= (NM_001370458.1, NM_172103.4); c.1164T>C, p.Asp388= (NM_001370459.1); c.1308T>C, p.Asp436= (NM_172105.4).
Identifiers: ClinVar variation 667113 (VCV000667113.16), dbSNP rs1029890565, ClinGen allele CA148073431.

ClinVar aggregate classification (germline): Likely benign. Review status: criteria provided, multiple submitters, no conflicts (2 of 4 stars). 4 submissions from 4 submitters: Likely benign (4). Last evaluated 2025-08-29.

Conditions:
Dilated cardiomyopathy 1J (CMD1J). Also called: CARDIOMYOPATHY, DILATED, WITH SENSORINEURAL HEARING LOSS, AUTOSOMAL DOMINANT. Identifiers: Orphanet 217622, MedGen C1854368, MONDO:0011541, OMIM 605362.
Cardiovascular phenotype. Identifiers: MedGen CN230736.

Allele frequency attached by ClinVar (database versions not stated): gnomAD exomes below 0.00001; gnomAD 0.00001; TOPMed 0.00003.
gnomAD v4.1: 10 of 1,613,118 alleles (0.00062%); highest among the groups gnomAD compares: Admixed American, 0.0083%; no homozygotes.

Submissions (4):

Labcorp Genetics (formerly Invitae), Labcorp
Classification: Likely benign for Dilated cardiomyopathy 1J. Last evaluated: 2025-08-29. Review status: criteria provided, single submitter. Criteria: Invitae Variant Classification Sherloc (09022015). Collection method: clinical testing. Allele origin: germline.

Ambry Genetics
Classification: Likely benign for Cardiovascular phenotype. Last evaluated: 2023-06-28. Review status: criteria provided, single submitter. Criteria: Ambry Variant Classification Scheme 2023. Collection method: clinical testing. Allele origin: germline.

GeneDx
Classification: Likely benign. Last evaluated: 2021-03-30. Review status: criteria provided, single submitter. Criteria: GeneDx Variant Classification Process June 2021. Collection method: clinical testing. Allele origin: germline. Affected: yes.

Laboratory for Molecular Medicine, Mass General Brigham Personalized Medicine
Classification: Likely benign. Last evaluated: 2019-02-11. Review status: criteria provided, single submitter. Criteria: LMM Criteria. Collection method: clinical testing. Allele origin: germline. Observed: 1 variant allele.
Comment: The p.Asp436Asp variant in EYA4 is classified as likely benign because it does not alter an amino acid residue, it is not located within the splice consensus sequence, and splice prediction algorithms do not predict a newly created splice site. ACMG/AMP Criteria applied: BP4, BP7.